The following is an entry in ClinVar:

ClinVar aggregate classification (germline): Uncertain significance. Review status: criteria provided, multiple submitters, no conflicts (2 of 4 stars). 4 submissions from 4 submitters: Uncertain significance (4). Last evaluated 2024-08-06.

Conditions:
Catecholaminergic polymorphic ventricular tachycardia (CVPT). Also called: Catecholamine-induced polymorphic ventricular tachycardia. Identifiers: Orphanet 3286, MedGen C5574922, MONDO:0017990.
Cardiomyopathy (CMYO). Also called: Cardiomyopathies. Identifiers: Orphanet 167848, MedGen C0878544, MONDO:0004994, HP:0001638. Inheritance: Various modes of inheritance.
Catecholaminergic polymorphic ventricular tachycardia 1. Also called: RYR2-Related Catecholaminergic Polymorphic Ventricular Tachycardia; VENTRICULAR TACHYCARDIA, STRESS-INDUCED POLYMORPHIC 1; VENTRICULAR TACHYCARDIA, CATECHOLAMINERGIC POLYMORPHIC, 1, WITH OR WITHOUT ATRIAL DYSFUNCTION AND/OR DILATED CARDIOMYOPATHY. Identifiers: Orphanet 3286, MedGen C1631597, MONDO:0011484, OMIM 604772.

Allele frequency attached by ClinVar (database versions not stated): gnomAD exomes below 0.00001; ExAC 0.00001.
gnomAD v4.1: 1 of 1,612,762 alleles (0.000062%); highest among the groups gnomAD compares: South Asian, 0.0011%; no homozygotes.

Submissions (4):

All of Us Research Program, National Institutes of Health
Classification: Uncertain significance for Catecholaminergic polymorphic ventricular tachycardia. Last evaluated: 2024-08-06. Review status: criteria provided, single submitter. Criteria: ACMG Guidelines, 2015. Collection method: clinical testing. Allele origin: germline. Inheritance: Autosomal dominant inheritance. Observed: 3 variant alleles, 3 heterozygotes.
Comment: This variant is located in the RYR2 protein. Computational prediction suggests that this variant may not impact protein structure and function (internally defined REVEL score threshold <= 0.5, PMID: 27666373). To our knowledge, functional studies have not been reported for this variant. This variant has not been reported in individuals affected with cardiovascular disorders in the literature. This variant has been identified in 1/247508 chromosomes in the general population by the Genome Aggregation Database (gnomAD). The available evidence is insufficient to determine the role of this variant in disease conclusively. Therefore, this variant is classified as a Variant of Uncertain Significance.

This study involves interpretation of variants in research participants for the purpose of population health screening. Participant phenotype was not available at the time of variant classification. Additional details can be found in publication PMID: 35346344, PMCID: PMC8962531

Blueprint Genetics
Classification: Uncertain significance. Last evaluated: 2024-06-07. Review status: criteria provided, single submitter. Criteria: ACMG Guidelines, 2015. Collection method: clinical testing. Allele origin: germline.

Color Diagnostics, LLC DBA Color Health
Classification: Uncertain significance for Cardiomyopathy. Last evaluated: 2024-03-07. Review status: criteria provided, single submitter. Criteria: ACMG Guidelines, 2015. Collection method: clinical testing. Allele origin: germline.
Comment: This variant is located in the RYR2 protein. Computational prediction suggests that this variant may not impact protein structure and function (internally defined REVEL score threshold <= 0.5, PMID: 27666373). To our knowledge, functional studies have not been reported for this variant. This variant has not been reported in individuals affected with cardiovascular disorders in the literature. This variant has been identified in 1/247508 chromosomes in the general population by the Genome Aggregation Database (gnomAD). The available evidence is insufficient to determine the role of this variant in disease conclusively. Therefore, this variant is classified as a Variant of Uncertain Significance.

Labcorp Genetics (formerly Invitae), Labcorp
Classification: Uncertain significance for Catecholaminergic polymorphic ventricular tachycardia 1. Last evaluated: 2021-03-10. Review status: criteria provided, single submitter. Criteria: Invitae Variant Classification Sherloc (09022015). Collection method: clinical testing. Allele origin: germline.
Comment: In summary, the available evidence is currently insufficient to determine the role of this variant in disease. Therefore, it has been classified as a Variant of Uncertain Significance. Algorithms developed to predict the effect of sequence changes on RNA splicing suggest that this variant may create or strengthen a splice site, but this prediction has not been confirmed by published transcriptional studies. Advanced modeling of protein sequence and biophysical properties (such as structural, functional, and spatial information, amino acid conservation, physicochemical variation, residue mobility, and thermodynamic stability) performed at Invitae indicates that this missense variant is not expected to disrupt RYR2 protein function. This variant has not been reported in the literature in individuals with RYR2-related conditions. ClinVar contains an entry for this variant (Variation ID: 921899). This variant is present in population databases (rs773288086, ExAC 0.002%). This sequence change replaces methionine with valine at codon 3323 of the RYR2 protein (p.Met3323Val). The methionine residue is highly conserved and there is a small physicochemical difference between methionine and valine.

NM_001035.3(RYR2):c.9967A>G (p.Met3323Val)

Gene: RYR2 (ryanodine receptor 2; plus strand). Cytogenetic location: 1q43.
Variant type: single nucleotide variant.
Coding change: c.9967A>G on transcript NM_001035.3 (MANE Select); coding-DNA position 9967, A replaced by G.
Protein change: p.Met3323Val; replaces methionine 3323 with valine.
Molecular consequence: missense variant.
Genome position (GRCh38, 1-based): chr1:237,708,923, A>G. VCF-style: chr1-237708923-A-G. GRCh37 (hg19) VCF-style: chr1-237872223-A-G.
Other names: short protein forms M3323V.
Identifiers: ClinVar variation 921899 (VCV000921899.16), dbSNP rs773288086, ClinGen allele CA087989.